The following is an entry in ClinVar:

NM_001256012.3(MYH10):c.531-2A>C

Gene: MYH10 (myosin heavy chain 10; minus strand). Cytogenetic location: 17p13.1.
Variant type: single nucleotide variant.
Coding change: c.531-2A>C on transcript NM_001256012.3 (MANE Select); the canonical splice acceptor site of the intron before coding-DNA position 531, A replaced by C.
Molecular consequence: splice acceptor variant.
Genome position (GRCh38, 1-based): chr17:8,577,340, T>G on the plus strand (A>C on the coding strand, the complement: MYH10 is on the minus strand). VCF-style: chr17-8577340-T-G. GRCh37 (hg19) VCF-style: chr17-8480658-T-G.
Other names: c.531-2A>C (NM_001375266.1, NM_005964.5, NM_001256095.2).
Identifiers: ClinVar variation 2663037 (VCV002663037.1), dbSNP rs2544568059, ClinGen allele CA398228215.

ClinVar aggregate classification (germline): Uncertain significance (1 of 4 stars; one submission).

Submission:

GeneDx
Classification: Uncertain significance. Last evaluated: 2023-04-26. Review status: criteria provided, single submitter. Criteria: GeneDx Variant Classification Process June 2021. Collection method: clinical testing. Allele origin: germline. Affected: yes.
Comment: Not observed at significant frequency in large population cohorts (gnomAD); Canonical splice site variant in a gene or region of a gene for which loss of function is not a well-established mechanism of disease; Has not been previously published as pathogenic or benign to our knowledge